The following is an entry in ClinVar:

ClinVar aggregate classification (germline): Benign. Review status: criteria provided, multiple submitters, no conflicts (2 of 4 stars). 15 submissions from 12 submitters: Benign (13). 2 of the submissions do not count toward it. Last evaluated 2026-02-04.

Conditions:
Waardenburg syndrome. Also called: Waardenburg's syndrome. Identifiers: Orphanet 3440, MedGen C3266898, MONDO:0018094.
Waardenburg syndrome type 1 (WS1). Also called: Waardenburg Syndrome Type I; WAARDENBURG SYNDROME WITH DYSTOPIA CANTHORUM. Identifiers: Orphanet 894, MedGen C1847800, MONDO:0008670, OMIM 193500.
Waardenburg syndrome type 3 (WS3). Also called: Klein-Waardenberg's syndrome; WAARDENBURG SYNDROME WITH UPPER LIMB ANOMALIES; KLEIN-WAARDENBURG SYNDROME. Identifiers: Orphanet 3440, Orphanet 896, MedGen C0079661, MONDO:0007862, OMIM 148820.
Craniofacial-deafness-hand syndrome (CDHS). Identifiers: Orphanet 1529, MedGen C1852510, MONDO:0007395, OMIM 122880.

Allele frequency attached by ClinVar (database versions not stated): gnomAD 0.84982 and 0.85686; gnomAD exomes 0.85636 and 0.88424; TOPMed 0.85934; ExAC 0.88715; 1000 Genomes Project 30x 0.89944; 1000 Genomes Project 0.90435; ESP Exome Variant Server 0.84653.

Submissions (15):

Labcorp Genetics (formerly Invitae), Labcorp
Classification: Benign. Last evaluated: 2026-02-04. Review status: criteria provided, single submitter. Criteria: Invitae Variant Classification Sherloc (09022015). Collection method: clinical testing. Allele origin: germline.

Blueprint Genetics
Classification: Benign. Last evaluated: 2024-11-26. Review status: criteria provided, single submitter. Criteria: ACMG Guidelines, 2015. Collection method: clinical testing. Allele origin: germline.

Genome-Nilou Lab
Classification: Benign for Craniofacial-deafness-hand syndrome. Last evaluated: 2021-09-05. Review status: criteria provided, single submitter. Criteria: ACMG Guidelines, 2015. Collection method: clinical testing. Allele origin: germline. Affected: no.

Genome-Nilou Lab
Classification: Benign for Waardenburg syndrome type 1. Last evaluated: 2021-09-05. Review status: criteria provided, single submitter. Criteria: ACMG Guidelines, 2015. Collection method: clinical testing. Allele origin: germline. Affected: no.

Genome-Nilou Lab
Classification: Benign for Waardenburg syndrome type 3. Last evaluated: 2021-09-05. Review status: criteria provided, single submitter. Criteria: ACMG Guidelines, 2015. Collection method: clinical testing. Allele origin: germline. Affected: no.

Mayo Clinic Laboratories, Mayo Clinic
Classification: Benign. Last evaluated: 2019-07-03. Review status: criteria provided, single submitter. Criteria: ACMG Guidelines, 2015. Collection method: clinical testing. Allele origin: germline. Observed: 156 variant alleles.

Illumina Laboratory Services, Illumina
Classification: Benign for Waardenburg syndrome. Last evaluated: 2018-01-13. Review status: criteria provided, single submitter. Criteria: ICSL Variant Classification Criteria 13 December 2019. Collection method: clinical testing. Allele origin: germline.
Comment: This variant was observed in the ICSL laboratory as part of a predisposition screen in an ostensibly healthy population. It had not been previously curated by ICSL or reported in the Human Gene Mutation Database (HGMD: prior to June 1st, 2018), and was therefore a candidate for classification through an automated scoring system. Utilizing variant allele frequency, disease prevalence and penetrance estimates, and inheritance mode, an automated score was calculated to assess if this variant is too frequent to cause the disease. Based on the score and internal cut-off values, a variant classified as benign is not then subjected to further curation. The score for this variant resulted in a classification of benign for this disease.

Illumina Laboratory Services, Illumina
Classification: Benign for Craniofacial-deafness-hand syndrome. Last evaluated: 2018-01-13. Review status: criteria provided, single submitter. Criteria: ICSL Variant Classification Criteria 13 December 2019. Collection method: clinical testing. Allele origin: germline.
Comment: the same text as in the submission from Illumina Laboratory Services, Illumina above.

GeneDx
Classification: Benign. Last evaluated: 2017-05-09. Review status: criteria provided, single submitter. Criteria: GeneDx Variant Classification (06012015). Collection method: clinical testing. Allele origin: germline. Affected: yes.
Comment: This variant is considered likely benign or benign based on one or more of the following criteria: it is a conservative change, it occurs at a poorly conserved position in the protein, it is predicted to be benign by multiple in silico algorithms, and/or has population frequency not consistent with disease.

Laboratory for Molecular Medicine, Mass General Brigham Personalized Medicine
Classification: Benign. Last evaluated: 2014-11-24. Review status: criteria provided, single submitter. Criteria: LMM Criteria. Collection method: clinical testing. Allele origin: germline. Observed: 1,027 variant alleles.
Comment: Gly43Gly in exon 2 of PAX3: This variant is not expected to have clinical signif icance because it does not alter an amino acid residue and is not located within the splice consensus sequence. It has been identified in 15.5% (682/4396) of Af rican American chromosomes from a broad population by the NHLBI Exome Sequencing Project (dbSNP rs12623857).

Eurofins Ntd Llc (ga)
Classification: Benign. Last evaluated: 2014-08-04. Review status: criteria provided, single submitter. Criteria: EGL Classification Definitions 2015. Collection method: clinical testing. Allele origin: germline. Observed: 1 variant allele, 1 homozygote.

Breakthrough Genomics
Classification: Benign. Review status: criteria provided, single submitter. Criteria: ACMG Guidelines, 2015. Collection method: not provided. Allele origin: germline. Inheritance: Autosomal recessive inheritance. Affected: yes.

PreventionGenetics, part of Exact Sciences
Classification: Benign. Review status: criteria provided, single submitter. Criteria: ACMG Guidelines, 2015. Collection method: clinical testing. Allele origin: germline.

Diagnostic Laboratory, Department of Genetics, University Medical Center Groningen
Classification: Benign. Review status: no assertion criteria provided. Collection method: clinical testing. Allele origin: germline. Affected: yes. Study: VKGL Data-share Consensus. Not counted in ClinVar's aggregate classification.

Joint Genome Diagnostic Labs from Nijmegen and Maastricht, Radboudumc and MUMC+
Classification: Benign. Review status: no assertion criteria provided. Collection method: clinical testing. Allele origin: germline. Affected: yes. Study: VKGL Data-share Consensus. Not counted in ClinVar's aggregate classification.

NM_181458.4(PAX3):c.129T>C (p.Gly43=)

Gene: PAX3 (paired box 3; minus strand). Cytogenetic location: 2q36.1.
Variant type: single nucleotide variant.
Coding change: c.129T>C on transcript NM_181458.4 (MANE Select); coding-DNA position 129, T replaced by C.
Protein change: p.Gly43=; no amino-acid change (glycine 43 retained).
Molecular consequence: synonymous variant.
Genome position (GRCh38, 1-based): chr2:222,297,170, A>G on the plus strand (T>C on the coding strand, the complement: PAX3 is on the minus strand). VCF-style: chr2-222297170-A-G. GRCh37 (hg19) VCF-style: chr2-223161889-A-G.
Other names: p.Gly43=; c.129T>C, p.Gly43= (NM_000438.6, NM_001127366.3, NM_013942.5 and 4 more transcripts).
Identifiers: ClinVar variation 195432 (VCV000195432.30), dbSNP rs12623857, ClinGen allele CA201739.